The following is an entry in ClinVar:

ClinVar aggregate classification (germline): Uncertain significance (1 of 4 stars; one submission).

Submission:

GeneDx
Classification: Uncertain significance. Last evaluated: 2026-10-20. Review status: criteria provided, single submitter. Criteria: GeneDx Variant Classification Process June 2021. Collection method: clinical testing. Allele origin: germline.
Comment: Not observed at significant frequency in large population cohorts (gnomAD); In silico analysis suggests that this missense variant does not alter protein structure/function; Has not been previously published as pathogenic or benign to our knowledge

NM_172362.3(KCNH1):c.241G>A (p.Glu81Lys)

Gene: KCNH1 (potassium voltage-gated channel subfamily H member 1; minus strand). Cytogenetic location: 1q32.2.
Variant type: single nucleotide variant.
Coding change: c.241G>A on transcript NM_172362.3 (MANE Select); coding-DNA position 241, G replaced by A.
Protein change: p.Glu81Lys; replaces glutamic acid 81 with lysine.
Molecular consequence: missense variant.
Genome position (GRCh38, 1-based): chr1:211,103,565, C>T on the plus strand (G>A on the coding strand, the complement: KCNH1 is on the minus strand). VCF-style: chr1-211103565-C-T. GRCh37 (hg19) VCF-style: chr1-211276907-C-T.
Other names: c.241G>A, p.Glu81Lys (NM_002238.4); short protein forms E81K.
Identifiers: ClinVar variation 4082850 (VCV004082850.2).
Genomic context (GRCh38, chr1:211,103,565, plus strand): 5'-TGTACATCAGAATTTCAAAGGAATTCATCTCATAGTTCTCAAATGTTTGCCGCACTTTTT[C>T]AATCGTGTCTTTATCAGTCAGCTCCCCATACATAAAACTGCAAACAACCAAAGAACTCAA-3'
Protein context (NP_758872.1, residues 71-91): YGELTDKDTI[Glu81Lys]KVRQTFENYE